The following is an entry in ClinVar:

ClinVar aggregate classification (germline): Uncertain significance (1 of 4 stars; one submission).

Submission:

GeneDx
Classification: Uncertain significance. Last evaluated: 2013-03-26. Review status: criteria provided, single submitter. Criteria: GeneDx Variant Classification (06012015). Collection method: clinical testing. Allele origin: germline. Affected: yes.
Comment: p.Pro2374Arg (CCT>CGT): c.7121 C>G in exon 55 of the SPTAN1 gene (NM_001130438.1) The Pro2374Arg missense change has not been published as a mutation, nor has it been reported as a benign polymorphism to our knowledge. It was not observed in approximately 6,500 individuals of European and African American ancestry in the NHLBI Exome Sequencing Project or among the various ethnic groups studied in the 1000 Genomes Project, indicating it is not a common benign variant in these populations. The amino acid substitution is non-conservative as an uncharged, non-polar Proline residue is replaced by a positively charged, Arginine residue and the gain of a Proline may affect the secondary structure of the protein. Pro2374Arg alters a conserved position in the alpha-II spectrin protein and multiple in-silico algorithms predict it may be damaging to the structure/function of the protein. However, previously reported pathogenic mutations in SPTAN1 are located within the last four spectrin repeats that are essential for dimerization (Saitsu et al., 2010), and the Pro2374 residue is outside this region. Alternatively, the c.7121 C>G nucleotide substitution may be a splice site mutation as it results in the gain of a cryptic donor splice site within exon 55 of the SPTAN1 gene. Two in silico splice algorithms predict this substitution functions worse than the natural donor splice site and result in abnormal gene splicing while another algorithms predict it has no effect. However, the actual effect of the c.7121 C>G sequence change in vivo is unknown in the absence of RNA studies. The variant is found in EPILEPSY panel(s).

NM_001130438.3(SPTAN1):c.7121C>G (p.Pro2374Arg)

Gene: SPTAN1 (spectrin alpha, non-erythrocytic 1; plus strand). Cytogenetic location: 9q34.11.
Variant type: single nucleotide variant.
Coding change: c.7121C>G on transcript NM_001130438.3 (MANE Select); coding-DNA position 7121, C replaced by G.
Protein change: p.Pro2374Arg; replaces proline 2374 with arginine.
Molecular consequence: missense variant.
Genome position (GRCh38, 1-based): chr9:128,632,679, C>G. VCF-style: chr9-128632679-C-G. GRCh37 (hg19) VCF-style: chr9-131394958-C-G.
Other names: p.P2374R:CCT>CGT; c.7046C>G, p.Pro2349Arg (NM_001195532.2); c.7184C>G, p.Pro2395Arg (NM_001363759.2); c.7061C>G, p.Pro2354Arg (NM_001363765.2); c.7106C>G, p.Pro2369Arg (NM_003127.4); short protein forms P2374R, P2349R, P2354R, P2369R, P2395R.
Identifiers: ClinVar variation 207362 (VCV000207362.2), dbSNP rs796053330, ClinGen allele CA318753.
Genomic context (GRCh38, chr9:128,632,679, plus strand): 5'-AATCTTGCCTGCGCTCCCTGGGCTATGACCTGCCCATGGTGGAGGAAGGGGAACCTGACC[C>G]TGAGTTCGAGGCAATCCTGGACACGGTGGATCCGAACAGGTAAATTAATTAAGGCCAGGT-3'
Protein context (NP_001123910.1, residues 2364-2384): LPMVEEGEPD[Pro2374Arg]EFEAILDTVD